The following is an entry in ClinVar:

ClinVar aggregate classification (germline): Uncertain significance (1 of 4 stars; one submission).

Submission:

Labcorp Genetics (formerly Invitae), Labcorp
Classification: Uncertain significance. Last evaluated: 2024-10-21. Review status: criteria provided, single submitter. Criteria: Invitae Variant Classification Sherloc (09022015). Collection method: clinical testing. Allele origin: germline.
Comment: This sequence change replaces isoleucine, which is neutral and non-polar, with threonine, which is neutral and polar, at codon 362 of the PPP2R5D protein (p.Ile362Thr). This variant is not present in population databases (gnomAD no frequency). This variant has not been reported in the literature in individuals affected with PPP2R5D-related conditions. An algorithm developed to predict the effect of missense changes on protein structure and function (PolyPhen-2) suggests that this variant is likely to be disruptive. In summary, the available evidence is currently insufficient to determine the role of this variant in disease. Therefore, it has been classified as a Variant of Uncertain Significance.

NM_006245.4(PPP2R5D):c.1085T>C (p.Ile362Thr)

Gene: PPP2R5D (protein phosphatase 2 regulatory subunit B'delta; plus strand). Cytogenetic location: 6p21.1.
Variant type: single nucleotide variant.
Coding change: c.1085T>C on transcript NM_006245.4 (MANE Select); coding-DNA position 1085, T replaced by C.
Protein change: p.Ile362Thr; replaces isoleucine 362 with threonine.
Molecular consequence: missense variant.
Genome position (GRCh38, 1-based): chr6:43,009,061, T>C. VCF-style: chr6-43009061-T-C. GRCh37 (hg19) VCF-style: chr6-42976799-T-C.
Other names: c.632T>C, p.Ile211Thr (NM_001270476.2); c.989T>C, p.Ile330Thr (NM_180976.3); c.767T>C, p.Ile256Thr (NM_180977.3); short protein forms I256T, I330T, I211T, I362T.
Identifiers: ClinVar variation 3701083 (VCV003701083.2).